The following is an entry in ClinVar:

NM_003482.4(KMT2D):c.16061C>T (p.Thr5354Ile)

Gene: KMT2D (lysine methyltransferase 2D; minus strand). Cytogenetic location: 12q13.12.
Variant type: single nucleotide variant.
Coding change: c.16061C>T on transcript NM_003482.4 (MANE Select); coding-DNA position 16061, C replaced by T.
Protein change: p.Thr5354Ile; replaces threonine 5354 with isoleucine.
Molecular consequence: missense variant.
Genome position (GRCh38, 1-based): chr12:49,022,867, G>A on the plus strand (C>T on the coding strand, the complement: KMT2D is on the minus strand). VCF-style: chr12-49022867-G-A. GRCh37 (hg19) VCF-style: chr12-49416650-G-A.
Other names: short protein forms T5354I.
Identifiers: ClinVar variation 1948605 (VCV001948605.5), dbSNP rs2137707875, ClinGen allele CA384679494.
Genomic context (GRCh38, chr12:49,022,867, plus strand): 5'-GTGTTGGTCTCGCCTGTGAAGGTGCTCTGATATGCCTTAGACATGCTGGTGCTGTTCAGG[G>A]TATGGGGCCTGGGAGGTGATATAATCCATGACAAGACAGCTCTCCCTCAGACCAAGTACA-3'
Protein context (NP_003473.3, residues 5344-5364): KILTHYKRPH[Thr5354Ile]LNSTSMSKAY

ClinVar aggregate classification (germline): Uncertain significance (1 of 4 stars; one submission).

Conditions:
Kabuki syndrome. Also called: Kabuki make-up syndrome; NIIKAWA-KUROKI SYNDROME. Identifiers: Orphanet 2322, MedGen C0796004, MONDO:0016512.

Submission:

Labcorp Genetics (formerly Invitae), Labcorp
Classification: Uncertain significance for Kabuki syndrome. Last evaluated: 2022-03-28. Review status: criteria provided, single submitter. Criteria: Invitae Variant Classification Sherloc (09022015). Collection method: clinical testing. Allele origin: germline.
Comment: This variant has not been reported in the literature in individuals affected with KMT2D-related conditions. In summary, the available evidence is currently insufficient to determine the role of this variant in disease. Therefore, it has been classified as a Variant of Uncertain Significance. Algorithms developed to predict the effect of missense changes on protein structure and function are either unavailable or do not agree on the potential impact of this missense change (SIFT: "Deleterious"; PolyPhen-2: "Not Available"; Align-GVGD: "Class C0"). This variant is not present in population databases (gnomAD no frequency). This sequence change replaces threonine, which is neutral and polar, with isoleucine, which is neutral and non-polar, at codon 5354 of the KMT2D protein (p.Thr5354Ile).